The following is an entry in ClinVar:

ClinVar aggregate classification (germline): Uncertain significance. Review status: criteria provided, multiple submitters, no conflicts (2 of 4 stars). 3 submissions from 3 submitters: Uncertain significance (3). Last evaluated 2025-12-17.

Conditions:
Familial thoracic aortic aneurysm and aortic dissection (TAAD). Also called: Thoracic aortic aneurysms and dissections. Identifiers: Orphanet 91387, MedGen C4707243, MONDO:0019625.
Loeys-Dietz syndrome 4 (LDS4). Also called: ANEURYSM, AORTIC AND CEREBRAL, WITH ARTERIAL TORTUOSITY AND SKELETAL MANIFESTATIONS; TGFB2-Related Loeys-Dietz Syndrome. Identifiers: MedGen C3553762, MONDO:0013897, OMIM 614816.

Allele frequency attached by ClinVar (database versions not stated): gnomAD 0.00001; gnomAD exomes 0.00001; TOPMed 0.00001.
gnomAD v4.1: 10 of 1,613,886 alleles (0.00062%); highest among the groups gnomAD compares: Non-Finnish European, 0.00076%; no homozygotes.

Submissions (3):

Labcorp Genetics (formerly Invitae), Labcorp
Classification: Uncertain significance for Loeys-Dietz syndrome 4. Last evaluated: 2025-12-17. Review status: criteria provided, single submitter. Criteria: Invitae Variant Classification Sherloc (09022015). Collection method: clinical testing. Allele origin: germline.
Comment: This sequence change replaces glycine, which is neutral and non-polar, with arginine, which is basic and polar, at codon 276 of the TGFB2 protein (p.Gly276Arg). This variant is not present in population databases (gnomAD no frequency). This missense change has been observed in individual(s) with clinical features of TGFB2-related conditions (internal data). ClinVar contains an entry for this variant (Variation ID: 1450986). Invitae Evidence Modeling of protein sequence and biophysical properties (such as structural, functional, and spatial information, amino acid conservation, physicochemical variation, residue mobility, and thermodynamic stability) indicates that this missense variant is not expected to disrupt TGFB2 protein function with a negative predictive value of 80%. In summary, the available evidence is currently insufficient to determine the role of this variant in disease. Therefore, it has been classified as a Variant of Uncertain Significance.

Ambry Genetics
Classification: Uncertain significance for Familial thoracic aortic aneurysm and aortic dissection. Last evaluated: 2025-04-23. Review status: criteria provided, single submitter. Criteria: Ambry Variant Classification Scheme 2023. Collection method: clinical testing. Allele origin: germline.
Comment: The p.G276R variant (also known as c.826G>A), located in coding exon 5 of the TGFB2 gene, results from a G to A substitution at nucleotide position 826. The glycine at codon 276 is replaced by arginine, an amino acid with dissimilar properties. This amino acid position is conserved. In addition, this alteration is predicted to be tolerated by in silico analysis. Based on the available evidence, the clinical significance of this variant remains unclear.

GeneDx
Classification: Uncertain significance. Last evaluated: 2023-02-23. Review status: criteria provided, single submitter. Criteria: GeneDx Variant Classification Process June 2021. Collection method: clinical testing. Allele origin: germline. Affected: yes.
Comment: Has not been previously published as pathogenic or benign to our knowledge; Not observed at significant frequency in large population cohorts (gnomAD); In silico analysis supports that this missense variant does not alter protein structure/function

NM_003238.6(TGFB2):c.826G>A (p.Gly276Arg)

Gene: TGFB2 (transforming growth factor beta 2; plus strand). Cytogenetic location: 1q41.
Variant type: single nucleotide variant.
Coding change: c.826G>A on transcript NM_003238.6 (MANE Select); coding-DNA position 826, G replaced by A.
Protein change: p.Gly276Arg; replaces glycine 276 with arginine.
Molecular consequence: missense variant.
Genome position (GRCh38, 1-based): chr1:218,436,041, G>A. VCF-style: chr1-218436041-G-A. GRCh37 (hg19) VCF-style: chr1-218609383-G-A.
Other names: c.826G>A (NM_003238.3); c.910G>A, p.Gly304Arg (NM_001135599.4); short protein forms G304R, G276R.
Identifiers: ClinVar variation 1450986 (VCV001450986.10), dbSNP rs1169804851, ClinGen allele CA344727143.
Genomic context (GRCh38, chr1:218,436,041, plus strand): 5'-ACCTCCACATATACCAGTGGTGATCAGAAAACTATAAAGTCCACTAGGAAAAAAAACAGT[G>A]GGAAGACCCCACATCTCCTGCTAATGTTATTGCCCTCCTACAGACTTGAGTCACAACAGA-3'
Protein context (NP_003229.1, residues 266-286): TIKSTRKKNS[Gly276Arg]KTPHLLLMLL